The following is an entry in ClinVar:

ClinVar aggregate classification (germline): Uncertain significance. Review status: criteria provided, multiple submitters, no conflicts (2 of 4 stars). 3 submissions from 3 submitters: Uncertain significance (3). Last evaluated 2026-02-02.

Conditions:
Osteogenesis imperfecta type I (OI1). Also called: OI, TYPE I; OSTEOGENESIS IMPERFECTA TARDA; OSTEOGENESIS IMPERFECTA WITH BLUE SCLERAE; Osteogenesis imperfecta type 1; Lobstein's Disease; Lobstein disease. Identifiers: Orphanet 216796, Orphanet 666, MedGen C0023931, MONDO:0008146, OMIM 166200. Disease mechanism: loss of function.
Ehlers-Danlos syndrome, classic type, 1 (EDSCL1). Also called: EHLERS-DANLOS SYNDROME, GRAVIS TYPE; EHLERS-DANLOS SYNDROME, SEVERE CLASSIC TYPE; Ehlers-Danlos syndrome, type 1; EDS I; Ehlers-Danlos Syndrome, Classic Type, COL5A1-Related. Identifiers: MedGen C0268335, MONDO:0019567, OMIM 130000.

Allele frequency attached by ClinVar (database versions not stated): gnomAD 0.00004; gnomAD exomes 0.00001 and 0.00003; TOPMed 0.00003; 1000 Genomes Project 30x 0.00016; ExAC 0.00003.
gnomAD v4.1: 26 of 1,613,408 alleles (0.0016%); highest among the groups gnomAD compares: African/African-American, 0.0093%; no homozygotes.

Submissions (3):

Women's Health and Genetics/Laboratory Corporation of America, LabCorp
Classification: Uncertain significance. Last evaluated: 2026-02-02. Review status: criteria provided, single submitter. Criteria: LabCorp Variant Classification Summary - May 2015. Collection method: clinical testing. Allele origin: germline.
Comment: Variant summary: COL1A2 c.220G>A (p.Gly74Ser) results in a non-conservative amino acid change in the encoded protein sequence. Algorithms developed to predict the effect of missense changes on protein structure and function are either unavailable or do not agree on the potential impact of this missense change. The variant allele was found at a frequency of 2.8e-05 in 251154 control chromosomes. The available data on variant occurrences in the general population are insufficient to allow any conclusion about variant significance. To our knowledge, no occurrence of c.220G>A in individuals affected with COL1A2-related conditions and no experimental evidence demonstrating its impact on protein function have been reported. The following publication has been ascertained in the context of this evaluation (PMID: 29263181). ClinVar contains an entry for this variant (Variation ID: 1327650). Based on the evidence outlined above, the variant was classified as uncertain significance.

Labcorp Genetics (formerly Invitae), Labcorp
Classification: Uncertain significance for Osteogenesis imperfecta type I; Ehlers-Danlos syndrome, classic type, 1. Last evaluated: 2024-03-14. Review status: criteria provided, single submitter. Criteria: Invitae Variant Classification Sherloc (09022015). Collection method: clinical testing. Allele origin: germline.
Comment: This sequence change replaces glycine, which is neutral and non-polar, with serine, which is neutral and polar, at codon 74 of the COL1A2 protein (p.Gly74Ser). This variant is present in population databases (rs776365460, gnomAD 0.01%). This variant has not been reported in the literature in individuals affected with COL1A2-related conditions. ClinVar contains an entry for this variant (Variation ID: 1327650). Advanced modeling of protein sequence and biophysical properties (such as structural, functional, and spatial information, amino acid conservation, physicochemical variation, residue mobility, and thermodynamic stability) has been performed at Invitae for this missense variant, however the output from this modeling did not meet the statistical confidence thresholds required to predict the impact of this variant on COL1A2 protein function. In summary, the available evidence is currently insufficient to determine the role of this variant in disease. Therefore, it has been classified as a Variant of Uncertain Significance.

GeneDx
Classification: Uncertain significance. Last evaluated: 2021-06-11. Review status: criteria provided, single submitter. Criteria: GeneDx Variant Classification Process June 2021. Collection method: clinical testing. Allele origin: germline. Affected: yes.
Comment: Has not been previously published as pathogenic or benign to our knowledge; In silico analysis supports that this missense variant has a deleterious effect on protein structure/function; Not located in the triple helical region, where the majority of pathogenic missense variants occur (Stenson et al., 2014); This variant is associated with the following publications: (PMID: 27535533)

Literature cited by the submitters: PubMed 29263181 (cited by Women's Health and Genetics/Laboratory Corporation of America, LabCorp).

NM_000089.4(COL1A2):c.220G>A (p.Gly74Ser)

Gene: COL1A2 (collagen type I alpha 2 chain; plus strand). Cytogenetic location: 7q21.3.
Variant type: single nucleotide variant.
Coding change: c.220G>A on transcript NM_000089.4 (MANE Select); coding-DNA position 220, G replaced by A.
Protein change: p.Gly74Ser; replaces glycine 74 with serine.
Molecular consequence: missense variant.
Genome position (GRCh38, 1-based): chr7:94,400,283, G>A. VCF-style: chr7-94400283-G-A. GRCh37 (hg19) VCF-style: chr7-94029595-G-A.
Other names: short protein forms G74S.
Identifiers: ClinVar variation 1327650 (VCV001327650.9), dbSNP rs776365460, ClinGen allele CA4346555.
Genomic context (GRCh38, chr7:94,400,283, plus strand): 5'-GGTGAAGATGGTCCCACAGGCCCTCCTGGTCCACCTGGTCCTCCTGGCCCCCCTGGTCTC[G>A]GTGGGGTAAGGTGTCTTACGTATTGCTAACTTTTAGCTAACTTCAGTTGAAAGAAGGTTT-3'
Protein context (NP_000080.2, residues 64-84): PPGPPGPPGL[Gly74Ser]GNFAAQYDGK